The following is an entry in ClinVar:

ClinVar aggregate classification (germline): Pathogenic (1 of 4 stars; one submission).

Submission:

Labcorp Genetics (formerly Invitae), Labcorp
Classification: Pathogenic. Last evaluated: 2023-09-09. Review status: criteria provided, single submitter. Criteria: Invitae Variant Classification Sherloc (09022015). Collection method: clinical testing. Allele origin: unknown.
Comment: For these reasons, this variant has been classified as Pathogenic. A similar copy number variant has been observed in individual(s) with Robinow syndrome (PMID: 29276006). This variant is a gross deletion of the genomic region encompassing exon(s) 1 of the NXN gene, which includes the initiator codon. This deletion extends beyond the assayed region for this gene and therefore may encompass additional genes. It is expected to result in an absent or disrupted protein product. Loss-of-function variants in NXN are known to be pathogenic (PMID: 29276006, 33048444).

Literature cited by the submitters: PubMed 29276006; PubMed 33048444.

NC_000017.10:g.(?_882539)_(1565467_?)del

Genes: ABR (ABR activator of RhoGEF and GTPase; minus strand), BHLHA9 (basic helix-loop-helix family member a9; plus strand), CRK (CRK proto-oncogene, adaptor protein; minus strand), INPP5K (inositol polyphosphate-5-phosphatase K; minus strand), MYO1C (myosin IC; minus strand) and 9 more. Cytogenetic location: 17p13.3.
Variant type: Deletion.
Identifiers: ClinVar variation 3243204 (VCV003243204.1).